The following is an entry in ClinVar:

NM_001267550.2(TTN):c.42486_42489del (p.Cys14163fs)

Gene: TTN (titin; minus strand). Cytogenetic location: 2q31.2.
Variant type: Microsatellite.
Coding change: c.42486_42489del on transcript NM_001267550.2 (MANE Select); coding-DNA positions 42486 to 42489, 4 bases deleted (TTGT; older notation c.42486_42489delTTGT).
Protein change: p.Cys14163fs; shifts the reading frame from cysteine 14163.
Molecular consequence: frameshift variant.
Genome position (GRCh38, 1-based): chr2:178,634,010-178,634,013, ACAA deleted on the plus strand (TTGT on the coding strand, the reverse complement: TTN is on the minus strand); deleting any 4 consecutive bases within chr2:178,634,010-178,634,018 gives the same sequence; the c. name uses the placement nearest the transcript's 3' end. VCF-style (leftmost placement, unchanged base first): chr2-178634009-CACAA-C. GRCh37 (hg19) VCF-style: chr2-179498736-CACAA-C.
Other names: c.15291_15294delTTGT (NM_003319.4); c.37563_37566del, p.Cys12522fs (NM_001256850.1); c.15291_15294del, p.Cys5098fs (NM_003319.4); c.34782_34785del, p.Cys11595fs (NM_133378.4); c.15666_15669del, p.Cys5223fs (NM_133432.3); c.15867_15870del, p.Cys5290fs (NM_133437.4); short protein forms C14163fs, C11595fs, C5098fs, C5223fs, C12522fs, C5290fs.
Identifiers: ClinVar variation 212468 (VCV000212468.13), dbSNP rs797046064, ClinGen allele CA207467.
Genomic context (GRCh38, chr2:178,634,009, plus strand): 5'-TTGTATGGAGTTTGGCATCATTTTTGAACCAGACTACATGCATTTTTTCATGAGAAAGTT[CACAA>C]ACAAAAGTTGCTGTTTCACCTTCTTTTACTGTTTGATCTTCAAGAGGTGACATGAATTTC-3'

ClinVar aggregate classification (germline): Pathogenic/Likely pathogenic. Review status: criteria provided, multiple submitters, no conflicts (2 of 4 stars). 5 submissions from 5 submitters: Pathogenic (1); Likely pathogenic (4). Last evaluated 2025-12-10.

Conditions:
Cardiovascular phenotype. Identifiers: MedGen CN230736.
Dilated cardiomyopathy 1G (CMD1G). Identifiers: Orphanet 154, MedGen C1858763, MONDO:0011400, OMIM 604145.
Autosomal recessive limb-girdle muscular dystrophy type 2J (LGMDR10). Also called: Limb-girdle muscular dystrophy, type 2J; MUSCULAR DYSTROPHY, LIMB-GIRDLE, AUTOSOMAL RECESSIVE 10. Identifiers: Orphanet 140922, MedGen C1837342, MONDO:0012127, OMIM 608807.
Cardiomyopathy (CMYO). Also called: Cardiomyopathies. Identifiers: Orphanet 167848, MedGen C0878544, MONDO:0004994, HP:0001638. Inheritance: Various modes of inheritance.
Myopathy. Identifiers: MedGen C0026848, MeSH D009135, MONDO:0005336, HP:0003198.

Submissions (5):

Labcorp Genetics (formerly Invitae), Labcorp
Classification: Likely pathogenic for Dilated cardiomyopathy 1G; Autosomal recessive limb-girdle muscular dystrophy type 2J. Last evaluated: 2025-12-10. Review status: criteria provided, single submitter. Criteria: Invitae Variant Classification Sherloc (09022015). Collection method: clinical testing. Allele origin: germline.
Comment: This sequence change creates a premature translational stop signal (p.Cys14163Asnfs*9) in the TTN gene. While this is not anticipated to result in nonsense mediated decay, it is expected to create a truncated TTN protein. This variant is not present in population databases (gnomAD no frequency). This variant has not been reported in the literature in individuals affected with TTN-related conditions. ClinVar contains an entry for this variant (Variation ID: 212468). This variant is located in the I band of TTN (PMID: 25589632). Truncating variants in this region have been reported in individuals affected with autosomal recessive centronuclear myopathy (PMID: 23975875, internal data). Truncating variants in this region have also been identified in individuals affected with autosomal dominant dilated cardiomyopathy and/or cardio-related conditions (PMID: 27869827, 32964742, internal data). In summary, the currently available evidence indicates that the variant is pathogenic, but additional data are needed to prove that conclusively. Therefore, this variant has been classified as Likely Pathogenic.

Ambry Genetics
Classification: Likely pathogenic for Cardiovascular phenotype. Last evaluated: 2022-05-03. Review status: criteria provided, single submitter. Criteria: Ambry Variant Classification Scheme 2023. Collection method: clinical testing. Allele origin: germline.
Comment: The c.15291_15294delTTGT variant, located in coding exon 58 of the TTN gene, results from a deletion of 4 nucleotides at nucleotide positions 15291 to 15294, causing a translational frameshift with a predicted alternate stop codon (p.C5098Nfs*9). This exon is located in the I-band region of the N2-B isoform of the titin protein and is constitutively expressed in TTN transcripts (percent spliced in or PSI 100%). This variant is considered to be rare based on population cohorts in the Genome Aggregation Database (gnomAD). This alteration is expected to result in loss of function by premature protein truncation or nonsense-mediated mRNA decay. While truncating variants in TTN are present in 1-3% of the general population, truncating variants in the A-band are the most common cause of dilated cardiomyopathy (DCM) (Herman DS et al. N. Engl. J. Med., 2012 Feb;366:619-28; Roberts AM et al. Sci Transl Med, 2015 Jan;7:270ra6). TTN truncating variants encoded in constitutive exons (PSI >90%) have been found to be significantly associated with DCM regardless of their position in titin (Schafer S et al. Nat. Genet., 2017 01;49:46-53). As such, this alteration is classified as likely pathogenic.

CHEO Genetics Diagnostic Laboratory, Children's Hospital of Eastern Ontario
Classification: Likely pathogenic for Cardiomyopathy. Last evaluated: 2021-11-19. Review status: criteria provided, single submitter. Criteria: ACMG Guidelines, 2015. Collection method: clinical testing. Allele origin: germline.

Women's Health and Genetics/Laboratory Corporation of America, LabCorp
Classification: Likely pathogenic for Cardiomyopathy. Last evaluated: 2019-08-26. Review status: criteria provided, single submitter. Criteria: LabCorp Variant Classification Summary - May 2015. Collection method: clinical testing. Allele origin: germline.
Comment: Variant summary: TTN c.34782_34785delTTGT (p.Cys11595AsnfsX9) results in a premature termination codon, predicted to cause a truncation of the encoded protein or absence of the protein due to nonsense mediated decay, which are commonly known mechanisms for disease. The variant was absent in 248262 control chromosomes (gnomAD). To our knowledge, no occurrence of c.34782_34785delTTGT in individuals affected with Cardiomyopathy and no experimental evidence demonstrating its impact on protein function have been reported. No clinical diagnostic laboratories have submitted clinical-significance assessments for this variant to ClinVar after 2014. Based on the evidence outlined above, the variant was classified as likely pathogenic.

Genetic Services Laboratory, University of Chicago
Classification: Pathogenic for Myopathy. Last evaluated: 2014-06-05. Review status: criteria provided, single submitter. Criteria: ACMG Guidelines, 2015. Collection method: clinical testing. Allele origin: germline. Affected: yes.

Literature cited by the submitters: PubMed 25589632 (cited by Labcorp Genetics (formerly Invitae), Labcorp); PubMed 23975875 (cited by Labcorp Genetics (formerly Invitae), Labcorp); PubMed 27869827 (cited by Labcorp Genetics (formerly Invitae), Labcorp); PubMed 32964742 (cited by Labcorp Genetics (formerly Invitae), Labcorp).